The following is an entry in ClinVar:

ClinVar aggregate classification (germline): Pathogenic (1 of 4 stars; one submission).

Submission:

Labcorp Genetics (formerly Invitae), Labcorp
Classification: Pathogenic. Last evaluated: 2024-04-09. Review status: criteria provided, single submitter. Criteria: Invitae Variant Classification Sherloc (09022015). Collection method: clinical testing. Allele origin: germline.
Comment: This sequence change creates a premature translational stop signal (p.Trp75*) in the SLC4A1 gene. It is expected to result in an absent or disrupted protein product. Loss-of-function variants in SLC4A1 are known to be pathogenic (PMID: 8943874, 10926824, 23255290). This variant is not present in population databases (gnomAD no frequency). This variant has not been reported in the literature in individuals affected with SLC4A1-related conditions. For these reasons, this variant has been classified as Pathogenic.

Literature cited by the submitters: PubMed 8943874; PubMed 10926824; PubMed 23255290.

NM_000342.4(SLC4A1):c.224G>A (p.Trp75Ter)

Gene: SLC4A1 (solute carrier family 4 member 1 (Diego blood group); minus strand). Cytogenetic location: 17q21.31.
Variant type: single nucleotide variant.
Coding change: c.224G>A on transcript NM_000342.4 (MANE Select); coding-DNA position 224, G replaced by A.
Protein change: p.Trp75Ter; replaces tryptophan 75 with a stop codon.
Molecular consequence: nonsense.
Genome position (GRCh38, 1-based): chr17:44,260,760, C>T on the plus strand (G>A on the coding strand, the complement: SLC4A1 is on the minus strand). VCF-style: chr17-44260760-C-T. GRCh37 (hg19) VCF-style: chr17-42338128-C-T.
Other names: short protein forms W75*.
Identifiers: ClinVar variation 3649369 (VCV003649369.2).